The following is an entry in ClinVar:

NM_001363711.2(DUOX2):c.1553G>T (p.Trp518Leu)

Gene: DUOX2 (dual oxidase 2; minus strand). Cytogenetic location: 15q21.1.
Variant type: single nucleotide variant.
Coding change: c.1553G>T on transcript NM_001363711.2 (MANE Select); coding-DNA position 1553, G replaced by T.
Protein change: p.Trp518Leu; replaces tryptophan 518 with leucine.
Molecular consequence: missense variant.
Genome position (GRCh38, 1-based): chr15:45,108,068, C>A on the plus strand (G>T on the coding strand, the complement: DUOX2 is on the minus strand). VCF-style: chr15-45108068-C-A. GRCh37 (hg19) VCF-style: chr15-45400266-C-A.
Other names: c.1553G>T, p.Trp518Leu (NM_014080.5); short protein forms W518L.
Identifiers: ClinVar variation 1384969 (VCV001384969.8), dbSNP rs763273601, ClinGen allele CA7538580.

ClinVar aggregate classification (germline): Uncertain significance. Review status: criteria provided, multiple submitters, no conflicts (2 of 4 stars). 2 submissions from 2 submitters: Uncertain significance (2). Last evaluated 2024-10-11.

Allele frequency attached by ClinVar (database versions not stated): TOPMed 0.00002; gnomAD exomes 0.00003.
gnomAD v4.1: 45 of 1,613,862 alleles (0.0028%); highest among the groups gnomAD compares: Non-Finnish European, 0.0035%; no homozygotes.

Submissions (2):

Labcorp Genetics (formerly Invitae), Labcorp
Classification: Uncertain significance. Last evaluated: 2024-10-11. Review status: criteria provided, single submitter. Criteria: Invitae Variant Classification Sherloc (09022015). Collection method: clinical testing. Allele origin: germline.
Comment: This sequence change replaces tryptophan, which is neutral and slightly polar, with leucine, which is neutral and non-polar, at codon 518 of the DUOX2 protein (p.Trp518Leu). This variant is present in population databases (rs763273601, gnomAD 0.006%). This variant has not been reported in the literature in individuals affected with DUOX2-related conditions. ClinVar contains an entry for this variant (Variation ID: 1384969). Invitae Evidence Modeling of protein sequence and biophysical properties (such as structural, functional, and spatial information, amino acid conservation, physicochemical variation, residue mobility, and thermodynamic stability) indicates that this missense variant is expected to disrupt DUOX2 protein function with a positive predictive value of 80%. In summary, the available evidence is currently insufficient to determine the role of this variant in disease. Therefore, it has been classified as a Variant of Uncertain Significance.

GeneDx
Classification: Uncertain significance. Last evaluated: 2022-04-26. Review status: criteria provided, single submitter. Criteria: GeneDx Variant Classification Process June 2021. Collection method: clinical testing. Allele origin: germline. Affected: yes.
Comment: In silico analysis supports that this missense variant has a deleterious effect on protein structure/function; Has not been previously published as pathogenic or benign to our knowledge